The following is an entry in ClinVar:

ClinVar aggregate classification (germline): Likely benign. Review status: criteria provided, multiple submitters, no conflicts (2 of 4 stars). 3 submissions from 3 submitters: Likely benign (2). 1 of the submissions does not count toward it. Last evaluated 2025-10-08.

Conditions:
SOX2-related disorder. Also called: SOX2-related condition.
Anophthalmia/microphthalmia-esophageal atresia syndrome (MCOPS3). Also called: AEG SYNDROME; SOX2 Disorder; MICROPHTHALMIA AND ESOPHAGEAL ATRESIA SYNDROME. Identifiers: Orphanet 77298, MedGen C1859773, MONDO:0008799, OMIM 206900.

Allele frequency attached by ClinVar (database versions not stated): ExAC below 0.00001; gnomAD exomes 0.00001; TOPMed 0.00004; gnomAD 0.00005 and 0.00006.

Submissions (3):

Labcorp Genetics (formerly Invitae), Labcorp
Classification: Likely benign for Anophthalmia/microphthalmia-esophageal atresia syndrome. Last evaluated: 2025-10-08. Review status: criteria provided, single submitter. Criteria: Invitae Variant Classification Sherloc (09022015). Collection method: clinical testing. Allele origin: germline.

Women's Health and Genetics/Laboratory Corporation of America, LabCorp
Classification: Likely benign. Last evaluated: 2025-07-22. Review status: criteria provided, single submitter. Criteria: LabCorp Variant Classification Summary - May 2015. Collection method: clinical testing. Allele origin: germline.

PreventionGenetics, part of Exact Sciences
Classification: Likely benign for SOX2-related condition. Last evaluated: 2021-05-12. Review status: no assertion criteria provided. Collection method: clinical testing. Allele origin: germline. Not counted in ClinVar's aggregate classification.
Comment: This variant is classified as likely benign based on ACMG/AMP sequence variant interpretation guidelines (Richards et al. 2015 PMID: 25741868, with internal and published modifications).

NM_003106.4(SOX2):c.33G>T (p.Pro11=)

Genes: SOX2 (SRY-box transcription factor 2; plus strand), SOX2-OT (SOX2 overlapping transcript; plus strand), LOC108281177 (SOX2 5' regulatory region; plus strand). Cytogenetic location: 3q26.33.
Variant type: single nucleotide variant.
Coding change: c.33G>T on transcript NM_003106.4 (MANE Select); coding-DNA position 33, G replaced by T.
Protein change: p.Pro11=; no amino-acid change (proline 11 retained).
Molecular consequence: synonymous variant.
Genome position (GRCh38, 1-based): chr3:181,712,393, G>T. VCF-style: chr3-181712393-G-T. GRCh37 (hg19) VCF-style: chr3-181430181-G-T.
Identifiers: ClinVar variation 707677 (VCV000707677.9), dbSNP rs771068335, ClinGen allele CA2717223.